The following is an entry in ClinVar:

NM_000218.3(KCNQ1):c.1560G>A (p.Met520Ile)

Gene: KCNQ1 (potassium voltage-gated channel subfamily Q member 1; plus strand). Cytogenetic location: 11p15.5.
Variant type: single nucleotide variant.
Coding change: c.1560G>A on transcript NM_000218.3 (MANE Select); coding-DNA position 1560, G replaced by A.
Protein change: p.Met520Ile; replaces methionine 520 with isoleucine.
Molecular consequence: missense variant.
Genome position (GRCh38, 1-based): chr11:2,768,889, G>A. VCF-style: chr11-2768889-G-A. GRCh37 (hg19) VCF-style: chr11-2790119-G-A.
Other names: c.1464G>A, p.Met488Ile (NM_001406836.1); c.1290G>A, p.Met430Ile (NM_001406837.1); c.1020G>A, p.Met340Ile (NM_001406838.1); c.1179G>A, p.Met393Ile (NM_181798.2); short protein forms M393I, M520I, M488I, M430I, M340I.
Identifiers: ClinVar variation 1044140 (VCV001044140.11), dbSNP rs1846543163, ClinGen allele CA379138974.

ClinVar aggregate classification (germline): Uncertain significance. Review status: criteria provided, multiple submitters, no conflicts (2 of 4 stars). 2 submissions from 2 submitters: Uncertain significance (2). Last evaluated 2020-11-05.

Conditions:
Long QT syndrome (LQTS). Identifiers: MedGen C0023976, MeSH D008133, MONDO:0002442. Disease mechanism: loss of function. Inheritance: Various modes of inheritance.

Submissions (2):

GeneDx
Classification: Uncertain significance. Last evaluated: 2020-11-05. Review status: criteria provided, single submitter. Criteria: GeneDx Variant Classification Process June 2021. Collection method: clinical testing. Allele origin: germline. Affected: yes.
Comment: Not observed in large population cohorts (Lek et al., 2016); In silico analysis supports that this missense variant does not alter protein structure/function; Has not been previously published as pathogenic or benign to our knowledge

Labcorp Genetics (formerly Invitae), Labcorp
Classification: Uncertain significance for Long QT syndrome. Last evaluated: 2020-03-14. Review status: criteria provided, single submitter. Criteria: Invitae Variant Classification Sherloc (09022015). Collection method: clinical testing. Allele origin: germline.
Comment: This sequence change replaces methionine with isoleucine at codon 520 of the KCNQ1 protein (p.Met520Ile). The methionine residue is moderately conserved and there is a small physicochemical difference between methionine and isoleucine. In summary, the available evidence is currently insufficient to determine the role of this variant in disease. Therefore, it has been classified as a Variant of Uncertain Significance. This variant disrupts the p.Met520 amino acid residue in KCNQ1. Other variant(s) that disrupt this residue have been determined to be pathogenic (PMID: 22949429, 22456477, 26669661, 17482572). This suggests that this residue is clinically significant, and that variants that disrupt this residue are likely to be disease-causing. Algorithms developed to predict the effect of missense changes on protein structure and function (SIFT, PolyPhen-2, Align-GVGD) all suggest that this variant is likely to be tolerated, but these predictions have not been confirmed by published functional studies and their clinical significance is uncertain. This variant has not been reported in the literature in individuals with KCNQ1-related conditions. This variant is not present in population databases (ExAC no frequency).

Literature cited by the submitters: PubMed 22949429 (cited by Labcorp Genetics (formerly Invitae), Labcorp); PubMed 22456477 (cited by Labcorp Genetics (formerly Invitae), Labcorp); PubMed 26669661 (cited by Labcorp Genetics (formerly Invitae), Labcorp); PubMed 17482572 (cited by Labcorp Genetics (formerly Invitae), Labcorp).